The following is an entry in ClinVar:

NM_000492.4(CFTR):c.831G>A (p.Trp277Ter)

Gene: CFTR (CF transmembrane conductance regulator; plus strand). Cytogenetic location: 7q31.2.
Variant type: single nucleotide variant.
Coding change: c.831G>A on transcript NM_000492.4 (MANE Select); coding-DNA position 831, G replaced by A.
Protein change: p.Trp277Ter; replaces tryptophan 277 with a stop codon.
Molecular consequence: nonsense.
Genome position (GRCh38, 1-based): chr7:117,536,635, G>A. VCF-style: chr7-117536635-G-A. GRCh37 (hg19) VCF-style: chr7-117176689-G-A.
Other names: short protein forms W277*.
Identifiers: ClinVar variation 1373833 (VCV001373833.6), dbSNP rs2116678722, ClinGen allele CA368977504.

ClinVar aggregate classification (germline): Pathogenic (1 of 4 stars; one submission).

Conditions:
Cystic fibrosis (CF). Also called: MUCOVISCIDOSIS. Identifiers: Orphanet 586, MedGen C0010674, MONDO:0009061, OMIM 219700. Disease mechanism: loss of function.

Submission:

Labcorp Genetics (formerly Invitae), Labcorp
Classification: Pathogenic for Cystic fibrosis. Last evaluated: 2021-08-01. Review status: criteria provided, single submitter. Criteria: Invitae Variant Classification Sherloc (09022015). Collection method: clinical testing. Allele origin: germline.
Comment: For these reasons, this variant has been classified as Pathogenic. This premature translational stop signal has been observed in individual(s) with cystic fibrosis (PMID: 27022295, 30548586, 32429104). This variant is not present in population databases (ExAC no frequency). This sequence change creates a premature translational stop signal (p.Trp277*) in the CFTR gene. It is expected to result in an absent or disrupted protein product. Loss-of-function variants in CFTR are known to be pathogenic (PMID: 1695717, 7691345, 9725922).

Literature cited by the submitters: PubMed 27022295; PubMed 30548586; PubMed 32429104; PubMed 1695717; PubMed 7691345; PubMed 9725922.